The following is an entry in ClinVar:

NM_000179.3(MSH6):c.2719G>T (p.Val907Leu)

Gene: MSH6 (mutS homolog 6; plus strand). Cytogenetic location: 2p16.3.
Variant type: single nucleotide variant.
Coding change: c.2719G>T on transcript NM_000179.3 (MANE Select); coding-DNA position 2719, G replaced by T.
Protein change: p.Val907Leu; replaces valine 907 with leucine.
Molecular consequence: missense variant.
Genome position (GRCh38, 1-based): chr2:47,800,702, G>T. VCF-style: chr2-47800702-G-T. GRCh37 (hg19) VCF-style: chr2-48027841-G-T.
Other names: c.2329G>T, p.Val777Leu (NM_001281492.2); c.1813G>T, p.Val605Leu (NM_001281493.2, NM_001281494.2); short protein forms V777L, V605L, V907L.
Identifiers: ClinVar variation 925981 (VCV000925981.5), dbSNP rs1558666445, ClinGen allele CA346755355.

ClinVar aggregate classification (germline): Uncertain significance (1 of 4 stars; one submission).

Conditions:
Hereditary cancer-predisposing syndrome. Also called: Neoplastic Syndromes, Hereditary; Tumor predisposition; Hereditary Cancer Syndrome; Hereditary neoplastic syndrome. Identifiers: Orphanet 140162, MedGen C0027672, MeSH D009386, MONDO:0015356.

Submission:

Color Diagnostics, LLC DBA Color Health
Classification: Uncertain significance for Hereditary cancer-predisposing syndrome. Last evaluated: 2023-12-05. Review status: criteria provided, single submitter. Criteria: ACMG Guidelines, 2015. Collection method: clinical testing. Allele origin: germline.
Comment: This missense variant replaces valine with leucine at codon 907 of the MSH6 protein. Computational prediction tools and conservation analyses suggest that this variant may not impact the protein function. Computational splicing tools suggest that this variant may not impact RNA splicing. To our knowledge, functional assays have not been performed for this variant nor has this variant been reported in individuals affected with hereditary cancer in the literature. This variant has not been identified in the general population by the Genome Aggregation Database (gnomAD). Available evidence is insufficient to determine the role of this variant in disease conclusively. Therefore, this variant is classified as a Variant of Uncertain Significance.